The following is an entry in ClinVar:

NM_001184.4(ATR):c.932G>A (p.Arg311Lys)

Gene: ATR (ATR checkpoint kinase; minus strand). Cytogenetic location: 3q23.
Variant type: single nucleotide variant.
Coding change: c.932G>A on transcript NM_001184.4 (MANE Select); coding-DNA position 932, G replaced by A.
Protein change: p.Arg311Lys; replaces arginine 311 with lysine.
Molecular consequence: missense variant.
Genome position (GRCh38, 1-based): chr3:142,562,470, C>T on the plus strand (G>A on the coding strand, the complement: ATR is on the minus strand). VCF-style: chr3-142562470-C-T. GRCh37 (hg19) VCF-style: chr3-142281312-C-T.
Other names: c.932G>A, p.Arg311Lys (NM_001354579.2); short protein forms R311K.
Identifiers: ClinVar variation 3021819 (VCV003021819.3), dbSNP rs2108487339, ClinGen allele CA354824586.

ClinVar aggregate classification (germline): Uncertain significance (1 of 4 stars; one submission).

Submission:

Labcorp Genetics (formerly Invitae), Labcorp
Classification: Uncertain significance. Last evaluated: 2023-03-31. Review status: criteria provided, single submitter. Criteria: Invitae Variant Classification Sherloc (09022015). Collection method: clinical testing. Allele origin: germline.
Comment: This variant has not been reported in the literature in individuals affected with ATR-related conditions. Algorithms developed to predict the effect of missense changes on protein structure and function output the following: SIFT: "Not Available"; PolyPhen-2: "Benign"; Align-GVGD: "Not Available". The lysine amino acid residue is found in multiple mammalian species, which suggests that this missense change does not adversely affect protein function. In summary, the available evidence is currently insufficient to determine the role of this variant in disease. Therefore, it has been classified as a Variant of Uncertain Significance. This sequence change replaces arginine, which is basic and polar, with lysine, which is basic and polar, at codon 311 of the ATR protein (p.Arg311Lys). This variant is not present in population databases (gnomAD no frequency).